The following is an entry in ClinVar:

NM_003458.4(BSN):c.4631G>A (p.Arg1544His)

Gene: BSN (bassoon presynaptic cytomatrix protein; plus strand). Cytogenetic location: 3p21.31.
Variant type: single nucleotide variant.
Coding change: c.4631G>A on transcript NM_003458.4 (MANE Select); coding-DNA position 4631, G replaced by A.
Protein change: p.Arg1544His; replaces arginine 1544 with histidine.
Molecular consequence: missense variant.
Genome position (GRCh38, 1-based): chr3:49,654,187, G>A. VCF-style: chr3-49654187-G-A. GRCh37 (hg19) VCF-style: chr3-49691620-G-A.
Other names: short protein forms R1544H.
Identifiers: ClinVar variation 3900332 (VCV003900332.1).
Genomic context (GRCh38, chr3:49,654,187, plus strand): 5'-CCACTCCATCACCTATGGTAGCCCAGGGTACACAAACACCACATCGACCCAGCACGCCTC[G>A]CCTGGTGTGGCAGGAGTCCTCTCAAGAGGCTCCCTTTATGGTCATCACGCTGGCATCTGA-3'
Protein context (NP_003449.2, residues 1534-1554): TQTPHRPSTP[Arg1544His]LVWQESSQEA

ClinVar aggregate classification (germline): Uncertain significance (1 of 4 stars; one submission).

gnomAD v4.1: 5 of 1,613,844 alleles (0.00031%); highest among the groups gnomAD compares: Middle Eastern, 0.016%; no homozygotes.

Submission:

GeneDx
Classification: Uncertain significance. Last evaluated: 2024-04-08. Review status: criteria provided, single submitter. Criteria: GeneDx Variant Classification Process June 2021. Collection method: clinical testing. Allele origin: germline. Affected: yes.
Comment: In silico analysis indicates that this missense variant does not alter protein structure/function; Has not been previously published as pathogenic or benign to our knowledge; Variants in candidate genes are classified as variants of uncertain significance in accordance with ACMG guidelines (PMID: 25741868)